The following is an entry in ClinVar:

ClinVar aggregate classification (germline): Uncertain significance (1 of 4 stars; one submission).

Allele frequency attached by ClinVar (database versions not stated): ExAC 0.00017; gnomAD 0.00026; gnomAD exomes 0.00028; TOPMed 0.00028; ESP Exome Variant Server 0.00051.
gnomAD v4.1: 451 of 1,612,940 alleles (0.028%); highest among the groups gnomAD compares: Non-Finnish European, 0.036%; no homozygotes.

Submission:

CeGaT Center for Human Genetics Tuebingen
Classification: Uncertain significance. Last evaluated: 2023-07-01. Review status: criteria provided, single submitter. Criteria: CeGaT Center For Human Genetics Tuebingen Variant Classification Criteria Version 2. Collection method: clinical testing. Allele origin: germline. Affected: yes. Observed: 1 variant allele.
Comment: DNAH10: PM2:Supporting, BP4

NM_001372106.1(DNAH10):c.8369A>G (p.Glu2790Gly)

Gene: DNAH10 (dynein axonemal heavy chain 10; plus strand). Cytogenetic location: 12q24.31.
Variant type: single nucleotide variant.
Coding change: c.8369A>G on transcript NM_001372106.1 (MANE Select); coding-DNA position 8369, A replaced by G.
Protein change: p.Glu2790Gly; replaces glutamic acid 2790 with glycine.
Molecular consequence: missense variant.
Genome position (GRCh38, 1-based): chr12:123,877,905, A>G. VCF-style: chr12-123877905-A-G. GRCh37 (hg19) VCF-style: chr12-124362452-A-G.
Other names: c.8015A>G, p.Glu2672Gly (NM_001083900.1, NM_207437.3); short protein forms E2672G, E2790G.
Identifiers: ClinVar variation 2578696 (VCV002578696.25), dbSNP rs199757354, ClinGen allele CA6864762.
Genomic context (GRCh38, chr12:123,877,905, plus strand): 5'-ACATCTTCAACCTTCGAGATCTCTCACGGGTTTTTAATGGTCTTGTCCTCACTAACCCGG[A>G]GCGGTGAGTTTGATTTATCTTACTAAAATATGCCCCACAGGTATGATAGTTTTCTTATTC-3'
Protein context (NP_001359035.1, residues 2780-2800): VFNGLVLTNP[Glu2790Gly]RFQTVAQMVR